The following is an entry in ClinVar:

NM_016218.6(POLK):c.2207_2208del (p.Ser735_Phe736insTer)

Gene: POLK (DNA polymerase kappa; plus strand). Cytogenetic location: 5q13.3.
Variant type: Deletion.
Coding change: c.2207_2208del on transcript NM_016218.6 (MANE Select); coding-DNA positions 2207 to 2208, 2 bases deleted (TT; older notation c.2207_2208delTT).
Protein change: p.Ser735_Phe736insTer.
Molecular consequence: nonsense. On other transcripts: non-coding transcript variant (3), frameshift variant (1).
Genome position (GRCh38, 1-based): chr5:75,596,900-75,596,901, TT deleted; deleting any 2 consecutive bases within chr5:75,596,898-75,596,901 gives the same sequence; the c. name uses the placement nearest the transcript's 3' end. VCF-style (leftmost placement, unchanged base first): chr5-75596897-CTT-C. GRCh37 (hg19) VCF-style: chr5-74892722-CTT-C.
Other names: c.2009_2010del, p.Ser669_Phe670insTer (NM_001345921.3, NM_001395900.1); c.1937_1938del, p.Ser645_Phe646insTer (NM_001345922.3, NM_001395893.1, NM_001395902.1); c.2198_2199del, p.Ser732_Phe733insTer (NM_001387110.3); c.2249_2250del, p.Ser749_Phe750insTer (NM_001387111.3, NM_001395894.1); c.2207_2208del, p.Ser735_Phe736insTer (NM_001387113.3); c.2246_2247del, p.Ser748_Phe749insTer (NM_001395897.1); c.2054_2055del, p.Ser684_Phe685insTer (NM_001395899.1); c.1967_1968del, p.Ser655_Phe656insTer (NM_001395901.1); and 1 more.
Identifiers: ClinVar variation 1722437 (VCV001722437.1), dbSNP rs767897353, ClinGen allele CA120965560.

ClinVar aggregate classification (germline): Uncertain significance (1 of 4 stars; one submission).

Submission:

Women's Health and Genetics/Laboratory Corporation of America, LabCorp
Classification: Uncertain significance. Last evaluated: 2022-09-08. Review status: criteria provided, single submitter. Criteria: LabCorp Variant Classification Summary - May 2015. Collection method: clinical testing. Allele origin: germline.
Comment: Variant summary: POLK c.2207_2208delTT (p.Phe736X) results in a premature termination codon, predicted to cause a truncation of the encoded protein or absence of the protein due to nonsense mediated decay. The variant was absent in 250660 control chromosomes (gnomAD). The available data on variant occurrences in the general population are insufficient to allow any conclusion about variant significance. To our knowledge, no occurrence of c.2207_2208delTT in individuals affected with POLK-Related Disorder and no experimental evidence demonstrating its impact on protein function have been reported. No clinical diagnostic laboratories have submitted clinical-significance assessments for this variant to ClinVar after 2014. Based on the evidence outlined above, the variant was classified as uncertain significance.